The following is an entry in ClinVar:

ClinVar aggregate classification (germline): Uncertain significance (1 of 4 stars; one submission).

Conditions:
Early-infantile DEE. Also called: Ohtahara syndrome; Early infantile epileptic encephalopathy; Early infantile epileptic encephalopathy with suppression bursts. Identifiers: Orphanet 1934, MedGen C0393706, MONDO:0800491.

Allele frequency attached by ClinVar (database versions not stated): gnomAD exomes below 0.00001; TOPMed below 0.00001; gnomAD 0.00001.

Submission:

Labcorp Genetics (formerly Invitae), Labcorp
Classification: Uncertain significance for Early-infantile DEE. Last evaluated: 2022-03-19. Review status: criteria provided, single submitter. Criteria: Invitae Variant Classification Sherloc (09022015). Collection method: clinical testing. Allele origin: germline.
Comment: This variant has not been reported in the literature in individuals affected with KCNQ2-related conditions. In summary, the available evidence is currently insufficient to determine the role of this variant in disease. Therefore, it has been classified as a Variant of Uncertain Significance. Variants that disrupt the consensus splice site are a relatively common cause of aberrant splicing (PMID: 17576681, 9536098). Algorithms developed to predict the effect of sequence changes on RNA splicing suggest that this variant may disrupt the consensus splice site. ClinVar contains an entry for this variant (Variation ID: 665624). This variant is not present in population databases (gnomAD no frequency). This sequence change falls in intron 13 of the KCNQ2 gene. It does not directly change the encoded amino acid sequence of the KCNQ2 protein. It affects a nucleotide within the consensus splice site.

Literature cited by the submitters: PubMed 17576681; PubMed 9536098.

NM_172107.4(KCNQ2):c.1526-2dup

Gene: KCNQ2 (potassium voltage-gated channel subfamily Q member 2; minus strand). Cytogenetic location: 20q13.33.
Variant type: Duplication.
Coding change: c.1526-2dup on transcript NM_172107.4 (MANE Select); the canonical splice acceptor site of the intron before coding-DNA position 1526, one base duplicated (A; older notation c.1526-2dupA).
Molecular consequence: splice acceptor variant. On other transcripts: intron variant (1).
Genome position (GRCh38, 1-based): chr20:63,414,195, T duplicated on the plus strand (A on the coding strand, the reverse complement: KCNQ2 is on the minus strand). VCF-style (leftmost placement, unchanged base first): chr20-63414194-C-CT. GRCh37 (hg19) VCF-style: chr20-62045547-C-CT.
Other names: c.1442-2dup (NM_004518.6); c.1436-5dup (NM_172108.5); c.1472-2dup (NM_172106.3, NM_001382235.1).
Identifiers: ClinVar variation 665624 (VCV000665624.10), dbSNP rs1386754191, ClinGen allele CA746474459.